The following is an entry in ClinVar:

NM_000478.6(ALPL):c.619C>G (p.Gln207Glu)

Gene: ALPL (alkaline phosphatase, biomineralization associated; plus strand). Cytogenetic location: 1p36.12.
Variant type: single nucleotide variant.
Coding change: c.619C>G on transcript NM_000478.6 (MANE Select); coding-DNA position 619, C replaced by G.
Protein change: p.Gln207Glu; replaces glutamine 207 with glutamic acid.
Molecular consequence: missense variant.
Genome position (GRCh38, 1-based): chr1:21,564,187, C>G. VCF-style: chr1-21564187-C-G. GRCh37 (hg19) VCF-style: chr1-21890680-C-G.
Other names: c.454C>G, p.Gln152Glu (NM_001127501.4); c.388C>G, p.Gln130Glu (NM_001177520.3); c.619C>G, p.Gln207Glu (NM_001369803.2, NM_001369804.2, NM_001369805.2); short protein forms Q130E, Q152E, Q207E.
Identifiers: ClinVar variation 4974812 (VCV004974812.1).
Genomic context (GRCh38, chr1:21,564,187, plus strand): 5'-TACTCAGACAACGAGATGCCCCCTGAGGCCTTGAGCCAGGGCTGTAAGGACATCGCCTAC[C>G]AGCTCATGCATAACATCAGGGACATTGACGTGAGTGCTCGGGGGCAGCCGGGCAGGGACG-3'
Protein context (NP_000469.3, residues 197-217): LSQGCKDIAY[Gln207Glu]LMHNIRDIDV

ClinVar aggregate classification (germline): Uncertain significance (1 of 4 stars; one submission).

Conditions:
Hypophosphatasia. Also called: Phosphoethanol-aminuria. Identifiers: Orphanet 436, MedGen C0020630, MeSH D007014, MONDO:0018570.

Submission:

Genomenon, Inc
Classification: Uncertain significance for Hypophosphatasia. Last evaluated: 2026-09-01. Review status: criteria provided, single submitter. Criteria: Genomenon Sequence Variant Interpretation Standards - Updated. Collection method: curation. Allele origin: germline. Affected: no.
Comment: ALPL p.Gln207Glu (c.619C>G) is a missense variant that changes the amino acid at codon 207 from Glutamine to Glutamic acid. This variant has been reported in the published literature (PMID:32066479). It is absent or not present at a significant frequency in gnomAD. In silico models predict that this variant is possibly or probably damaging. In conclusion, we classify ALPL p.Gln207Glu (c.619C>G) as a variant of uncertain significance.

Literature cited by the submitters: PubMed 32066479.